The following is an entry in ClinVar:

NM_152564.5(VPS13B):c.7087A>C (p.Lys2363Gln)

Gene: VPS13B (vacuolar protein sorting 13 homolog B; plus strand). Cytogenetic location: 8q22.2.
Variant type: single nucleotide variant.
Coding change: c.7087A>C on transcript NM_152564.5 (MANE Select); coding-DNA position 7087, A replaced by C.
Protein change: p.Lys2363Gln; replaces lysine 2363 with glutamine.
Molecular consequence: missense variant.
Genome position (GRCh38, 1-based): chr8:99,766,810, A>C. VCF-style: chr8-99766810-A-C. GRCh37 (hg19) VCF-style: chr8-100779038-A-C.
Other names: c.7162A>C, p.Lys2388Gln (NM_017890.5); c.7087A>C (NM_152564.4); short protein forms K2363Q, K2388Q.
Identifiers: ClinVar variation 197421 (VCV000197421.25), dbSNP rs533701597, ClinGen allele CA245538.

ClinVar aggregate classification (germline): Conflicting classifications of pathogenicity. Review status: criteria provided, conflicting classifications (1 of 4 stars). 6 submissions from 6 submitters: Uncertain significance (2); Likely benign (2). 2 of the submissions do not count toward it. Last evaluated 2026-01-25.

Conditions:
VPS13B-related disorder. Also called: VPS13B-related condition.
Cohen syndrome (COH1). Also called: Cutis verticis gyrata, retinitis pigmentosa, and sensorineural deafness; PEPPER SYNDROME. Identifiers: Orphanet 193, MedGen C0265223, MONDO:0008999, OMIM 216550.

Allele frequency attached by ClinVar (database versions not stated): gnomAD 0.00001 and 0.00010; TOPMed 0.00003; gnomAD exomes 0.00018 and 0.00038; 1000 Genomes Project 30x 0.00031; 1000 Genomes Project 0.00040; ExAC 0.00047.
gnomAD v4.1: 281 of 1,613,938 alleles (0.017%); highest among the groups gnomAD compares: South Asian, 0.28%; 2 homozygotes.

Submissions (6):

Labcorp Genetics (formerly Invitae), Labcorp
Classification: Likely benign for Cohen syndrome. Last evaluated: 2026-01-25. Review status: criteria provided, single submitter. Criteria: Invitae Variant Classification Sherloc (09022015). Collection method: clinical testing. Allele origin: germline.

CeGaT Center for Human Genetics Tuebingen
Classification: Uncertain significance. Last evaluated: 2025-11-01. Review status: criteria provided, single submitter. Criteria: CeGaT Center For Human Genetics Tuebingen Variant Classification Criteria Version 2. Collection method: clinical testing. Allele origin: germline. Affected: yes. Observed: 1 variant allele.
Comment: VPS13B: PM2, PM3:Supporting, BP4

Blueprint Genetics
Classification: Likely benign. Last evaluated: 2024-10-24. Review status: criteria provided, single submitter. Criteria: ACMG Guidelines, 2015. Collection method: clinical testing. Allele origin: germline.

Eurofins Ntd Llc (ga)
Classification: Uncertain significance. Last evaluated: 2014-09-04. Review status: criteria provided, single submitter. Criteria: EGL Classification Definitions 2015. Collection method: clinical testing. Allele origin: germline. Observed: 1 variant allele, 1 heterozygote.

PreventionGenetics, part of Exact Sciences
Classification: Likely benign for VPS13B-related condition. Last evaluated: 2023-02-09. Review status: no assertion criteria provided. Collection method: clinical testing. Allele origin: germline. Not counted in ClinVar's aggregate classification.
Comment: This variant is classified as likely benign based on ACMG/AMP sequence variant interpretation guidelines (Richards et al. 2015 PMID: 25741868, with internal and published modifications).

Natera, Inc.
Classification: Benign for Cohen syndrome. Last evaluated: 2019-11-11. Review status: no assertion criteria provided. Collection method: clinical testing. Allele origin: germline. Not counted in ClinVar's aggregate classification.